The following is an entry in ClinVar:

ClinVar aggregate classification (germline): Pathogenic (1 of 4 stars; one submission).

Conditions:
Inborn genetic diseases. Identifiers: MedGen C0950123, MeSH D030342.

Submission:

Ambry Genetics
Classification: Pathogenic for Inborn genetic diseases. Last evaluated: 2025-11-13. Review status: criteria provided, single submitter. Criteria: Ambry Variant Classification Scheme 2023. Collection method: clinical testing. Allele origin: germline.
Comment: The c.2043dupA (p.G682Rfs*13) alteration, located in exon 16 (coding exon 16) of the IARS2 gene, consists of a duplication of A at position 2043, causing a translational frameshift with a predicted alternate stop codon after 13 amino acids. This alteration is expected to result in loss of function by premature protein truncation or nonsense-mediated mRNA decay. This variant was not reported in population-based cohorts in the Genome Aggregation Database (gnomAD). Based on the available evidence, this alteration is classified as pathogenic.

NM_018060.4(IARS2):c.2043dup (p.Gly682fs)

Gene: IARS2 (isoleucyl-tRNA synthetase 2, mitochondrial; plus strand). Cytogenetic location: 1q41.
Variant type: Duplication.
Coding change: c.2043dup on transcript NM_018060.4 (MANE Select); coding-DNA position 2043, one base duplicated (A; older notation c.2043dupA).
Protein change: p.Gly682fs; shifts the reading frame from glycine 682.
Molecular consequence: frameshift variant.
Genome position (GRCh38, 1-based): chr1:220,136,905, A duplicated. VCF-style (leftmost placement, unchanged base first): chr1-220136904-G-GA. GRCh37 (hg19) VCF-style: chr1-220310246-G-GA.
Other names: short protein forms G682fs.
Identifiers: ClinVar variation 4621906 (VCV004621906.1).
Genomic context (GRCh38, chr1:220,136,904, plus strand): 5'-AGGGAGAAAAGATGTCCAAGTCTCTTGGGAATGTCATTCATCCTGATGTTGTCGTTAATG[G>GA]AGGACAAGTAGGTGATTCTCTAAAATGTATTTTATTTTCGTTTTAAGGATCTTAAATTGG-3'